The following is an entry in ClinVar:

NM_003482.4(KMT2D):c.5801A>C (p.Asn1934Thr)

Gene: KMT2D (lysine methyltransferase 2D; minus strand). Cytogenetic location: 12q13.12.
Variant type: single nucleotide variant.
Coding change: c.5801A>C on transcript NM_003482.4 (MANE Select); coding-DNA position 5801, A replaced by C.
Protein change: p.Asn1934Thr; replaces asparagine 1934 with threonine.
Molecular consequence: missense variant.
Genome position (GRCh38, 1-based): chr12:49,042,627, T>G on the plus strand (A>C on the coding strand, the complement: KMT2D is on the minus strand). VCF-style: chr12-49042627-T-G. GRCh37 (hg19) VCF-style: chr12-49436410-T-G.
Other names: short protein forms N1934T.
Identifiers: ClinVar variation 2757859 (VCV002757859.3), dbSNP rs756972898, ClinGen allele CA384628398.

ClinVar aggregate classification (germline): Uncertain significance (1 of 4 stars; one submission).

Conditions:
Kabuki syndrome. Also called: Kabuki make-up syndrome; NIIKAWA-KUROKI SYNDROME. Identifiers: Orphanet 2322, MedGen C0796004, MONDO:0016512.

Submission:

Labcorp Genetics (formerly Invitae), Labcorp
Classification: Uncertain significance for Kabuki syndrome. Last evaluated: 2023-09-04. Review status: criteria provided, single submitter. Criteria: Invitae Variant Classification Sherloc (09022015). Collection method: clinical testing. Allele origin: germline.
Comment: This variant is not present in population databases (gnomAD no frequency). This sequence change replaces asparagine, which is neutral and polar, with threonine, which is neutral and polar, at codon 1934 of the KMT2D protein (p.Asn1934Thr). This variant has not been reported in the literature in individuals affected with KMT2D-related conditions. Advanced modeling of protein sequence and biophysical properties (such as structural, functional, and spatial information, amino acid conservation, physicochemical variation, residue mobility, and thermodynamic stability) performed at Invitae indicates that this missense variant is not expected to disrupt KMT2D protein function. In summary, the available evidence is currently insufficient to determine the role of this variant in disease. Therefore, it has been classified as a Variant of Uncertain Significance.